The following is an entry in ClinVar:

NM_022124.6(CDH23):c.317C>A (p.Ser106Tyr)

Genes: CDH23 (cadherin related 23; plus strand), CDH23-AS1 (CDH23 antisense RNA 1; minus strand). Cytogenetic location: 10q22.1.
Variant type: single nucleotide variant.
Coding change: c.317C>A on transcript NM_022124.6 (MANE Select); coding-DNA position 317, C replaced by A.
Protein change: p.Ser106Tyr; replaces serine 106 with tyrosine.
Molecular consequence: missense variant.
Genome position (GRCh38, 1-based): chr10:71,510,982, C>A. VCF-style: chr10-71510982-C-A. GRCh37 (hg19) VCF-style: chr10-73270739-C-A.
Other names: c.317C>A, p.Ser106Tyr (NM_001171930.2, NM_001171931.2, NM_001171932.2 and 1 more transcripts); short protein forms S106Y.
Identifiers: ClinVar variation 1464280 (VCV001464280.6), dbSNP rs1853941733, ClinGen allele CA377115634.

ClinVar aggregate classification (germline): Uncertain significance (1 of 4 stars; one submission).

Submission:

Labcorp Genetics (formerly Invitae), Labcorp
Classification: Uncertain significance. Last evaluated: 2021-11-22. Review status: criteria provided, single submitter. Criteria: Invitae Variant Classification Sherloc (09022015). Collection method: clinical testing. Allele origin: germline.
Comment: This variant is not present in population databases (gnomAD no frequency). This sequence change replaces serine, which is neutral and polar, with tyrosine, which is neutral and polar, at codon 106 of the CDH23 protein (p.Ser106Tyr). This variant has not been reported in the literature in individuals affected with CDH23-related conditions. Algorithms developed to predict the effect of missense changes on protein structure and function are either unavailable or do not agree on the potential impact of this missense change (SIFT: "Deleterious"; PolyPhen-2: "Not Available"; Align-GVGD: "Class C15"). In summary, the available evidence is currently insufficient to determine the role of this variant in disease. Therefore, it has been classified as a Variant of Uncertain Significance.